The following is an entry in ClinVar:

ClinVar aggregate classification (germline): Uncertain significance (1 of 4 stars; one submission).

gnomAD v4.1: 1 of 1,613,936 alleles (0.000062%); highest among the groups gnomAD compares: Non-Finnish European, 0.000085%; no homozygotes.

Submission:

Labcorp Genetics (formerly Invitae), Labcorp
Classification: Uncertain significance. Last evaluated: 2024-08-17. Review status: criteria provided, single submitter. Criteria: Invitae Variant Classification Sherloc (09022015). Collection method: clinical testing. Allele origin: germline.
Comment: This sequence change replaces glycine, which is neutral and non-polar, with serine, which is neutral and polar, at codon 239 of the LCAT protein (p.Gly239Ser). This variant is not present in population databases (gnomAD no frequency). This variant has not been reported in the literature in individuals affected with LCAT-related conditions. Invitae Evidence Modeling of protein sequence and biophysical properties (such as structural, functional, and spatial information, amino acid conservation, physicochemical variation, residue mobility, and thermodynamic stability) indicates that this missense variant is expected to disrupt LCAT protein function with a positive predictive value of 80%. In summary, the available evidence is currently insufficient to determine the role of this variant in disease. Therefore, it has been classified as a Variant of Uncertain Significance.

NM_000229.2(LCAT):c.715G>A (p.Gly239Ser)

Gene: LCAT (lecithin-cholesterol acyltransferase; minus strand). Cytogenetic location: 16q22.1.
Variant type: single nucleotide variant.
Coding change: c.715G>A on transcript NM_000229.2 (MANE Select); coding-DNA position 715, G replaced by A.
Protein change: p.Gly239Ser; replaces glycine 239 with serine.
Molecular consequence: missense variant.
Genome position (GRCh38, 1-based): chr16:67,942,396, C>T on the plus strand (G>A on the coding strand, the complement: LCAT is on the minus strand). VCF-style: chr16-67942396-C-T. GRCh37 (hg19) VCF-style: chr16-67976299-C-T.
Other names: short protein forms G239S.
Identifiers: ClinVar variation 3669543 (VCV003669543.2).